The following is an entry in ClinVar:

ClinVar aggregate classification (germline): Likely benign (0 of 4 stars; one submission).

Conditions:
ALMS1-related disorder. Also called: ALMS1-related condition.

Submission:

PreventionGenetics, part of Exact Sciences
Classification: Likely benign for ALMS1-related condition. Last evaluated: 2023-01-04. Review status: no assertion criteria provided. Collection method: clinical testing. Allele origin: germline.
Comment: This variant is classified as likely benign based on ACMG/AMP sequence variant interpretation guidelines (Richards et al. 2015 PMID: 25741868, with internal and published modifications).

NM_001378454.1(ALMS1):c.5667A>C (p.Gln1889His)

Gene: ALMS1 (ALMS1 centrosome and basal body associated protein; plus strand). Cytogenetic location: 2p13.1.
Variant type: single nucleotide variant.
Coding change: c.5667A>C on transcript NM_001378454.1 (MANE Select); coding-DNA position 5667, A replaced by C.
Protein change: p.Gln1889His; replaces glutamine 1889 with histidine.
Molecular consequence: missense variant.
Genome position (GRCh38, 1-based): chr2:73,452,194, A>C. VCF-style: chr2-73452194-A-C. GRCh37 (hg19) VCF-style: chr2-73679321-A-C.
Other names: c.5670A>C, p.Gln1890His (NM_015120.4); short protein forms Q1889H, Q1890H.
Identifiers: ClinVar variation 3356607 (VCV003356607.1).
Genomic context (GRCh38, chr2:73,452,194, plus strand): 5'-TGAAGTAACTTTGAAAGCAATAGGGGTTCCTGGGCCTGCTGACCAGAAGACTGGGATACA[A>C]ATAGCATCCTCTAGTTCCTACTCAAATAGAGAGAAGGCCAGTATTTTTCATCAGCAGGAG-3'
Protein context (NP_001365383.1, residues 1879-1899): PGPADQKTGI[Gln1889His]IASSSSYSNR